The following is an entry in ClinVar:

ClinVar aggregate classification (germline): Pathogenic (1 of 4 stars; one submission).

Conditions:
Primary ciliary dyskinesia. Also called: Ciliary dyskinesia. Identifiers: Orphanet 244, MedGen C0008780, MONDO:0016575, HP:0012265.

Submission:

Labcorp Genetics (formerly Invitae), Labcorp
Classification: Pathogenic for Primary ciliary dyskinesia. Last evaluated: 2024-05-31. Review status: criteria provided, single submitter. Criteria: Invitae Variant Classification Sherloc (09022015). Collection method: clinical testing. Allele origin: germline.
Comment: This sequence change creates a premature translational stop signal (p.Val1193Glyfs*9) in the DNAH8 gene. It is expected to result in an absent or disrupted protein product. Loss-of-function variants in DNAH8 are known to be pathogenic (PMID: 24307375, 32619401, 32681648). This variant is not present in population databases (gnomAD no frequency). This variant has not been reported in the literature in individuals affected with DNAH8-related conditions. For these reasons, this variant has been classified as Pathogenic.

Literature cited by the submitters: PubMed 24307375; PubMed 32619401; PubMed 32681648.

NM_001206927.2(DNAH8):c.3572dup (p.Val1193fs)

Gene: DNAH8 (dynein axonemal heavy chain 8; plus strand). Cytogenetic location: 6p21.2.
Variant type: Duplication.
Coding change: c.3572dup on transcript NM_001206927.2 (MANE Select); coding-DNA position 3572, one base duplicated (C; older notation c.3572dupC).
Protein change: p.Val1193fs; shifts the reading frame from valine 1193.
Molecular consequence: frameshift variant.
Genome position (GRCh38, 1-based): chr6:38,822,886, C duplicated; the last of 3 consecutive C bases (chr6:38,822,884-38,822,886); duplicating any one gives the same sequence. VCF-style (leftmost placement, unchanged base first): chr6-38822883-A-AC. GRCh37 (hg19) VCF-style: chr6-38790659-A-AC.
Other names: c.2921dup, p.Val976fs (NM_001371.4); short protein forms V1193fs, V976fs.
Identifiers: ClinVar variation 3615265 (VCV003615265.2).